The following is an entry in ClinVar:

NM_022489.4(INF2):c.3467T>C (p.Val1156Ala)

Gene: INF2 (inverted formin 2; plus strand). Cytogenetic location: 14q32.33.
Variant type: single nucleotide variant.
Coding change: c.3467T>C on transcript NM_022489.4 (MANE Select); coding-DNA position 3467, T replaced by C.
Protein change: p.Val1156Ala; replaces valine 1156 with alanine.
Molecular consequence: missense variant.
Genome position (GRCh38, 1-based): chr14:104,714,629, T>C. VCF-style: chr14-104714629-T-C. GRCh37 (hg19) VCF-style: chr14-105180966-T-C.
Other names: c.3467T>C, p.Val1156Ala (NM_001031714.4); short protein forms V1156A.
Identifiers: ClinVar variation 838559 (VCV000838559.10), dbSNP rs1166494154, ClinGen allele CA391224712.
Genomic context (GRCh38, chr14:104,714,629, plus strand): 5'-CCTTGCTGGGCGTCCTCCAGGCCGAGGCCGACAGCACAAGTGAGGGGCTGGAGGACGCTG[T>C]CCACAGCCGTGGTGCCAGACCCCCTGCAGCAGGCCCAGGTGGGGATGAGGACGAGGACGA-3'
Protein context (NP_071934.3, residues 1146-1166): DSTSEGLEDA[Val1156Ala]HSRGARPPAA

ClinVar aggregate classification (germline): Uncertain significance (1 of 4 stars; one submission).

Conditions:
Focal segmental glomerulosclerosis 5 (FSGS5). Identifiers: Orphanet 656, MedGen C2750475, MONDO:0013191, OMIM 613237.
Charcot-Marie-Tooth disease dominant intermediate E. Also called: CHARCOT-MARIE-TOOTH NEUROPATHY WITH FOCAL SEGMENTAL GLOMERULONEPHRITIS. Identifiers: Orphanet 93114, MedGen C4302667, MONDO:0013758, OMIM 614455.

Allele frequency attached by ClinVar (database versions not stated): gnomAD exomes below 0.00001.
gnomAD v4.1: 1 of 1,612,602 alleles (0.000062%); highest among the groups gnomAD compares: Non-Finnish European, 0.000085%; no homozygotes.

Submission:

Labcorp Genetics (formerly Invitae), Labcorp
Classification: Uncertain significance for Charcot-Marie-Tooth disease dominant intermediate E; Focal segmental glomerulosclerosis 5. Last evaluated: 2019-12-19. Review status: criteria provided, single submitter. Criteria: Invitae Variant Classification Sherloc (09022015). Collection method: clinical testing. Allele origin: germline.
Comment: In summary, the available evidence is currently insufficient to determine the role of this variant in disease. Therefore, it has been classified as a Variant of Uncertain Significance. Algorithms developed to predict the effect of missense changes on protein structure and function output the following: SIFT: "Tolerated"; PolyPhen-2: "Not Available"; Align-GVGD: "Class C0". The alanine amino acid residue is found in multiple mammalian species, suggesting that this missense change does not adversely affect protein function. These predictions have not been confirmed by published functional studies and their clinical significance is uncertain. This variant has not been reported in the literature in individuals with INF2-related conditions. This variant is not present in population databases (ExAC no frequency). This sequence change replaces valine with alanine at codon 1156 of the INF2 protein (p.Val1156Ala). The valine residue is weakly conserved and there is a small physicochemical difference between valine and alanine.